The following is an entry in ClinVar:

ClinVar aggregate classification (germline): Likely pathogenic. Review status: criteria provided, single submitter (1 of 4 stars). 2 submissions from 2 submitters: Likely pathogenic (1). 1 of the submissions does not count toward it. Last evaluated 2023-06-28.

Conditions:
Tuberous sclerosis syndrome (TSC). Also called: Tuberous Sclerosis Complex; Tuberous sclerosis. Identifiers: Orphanet 805, MedGen C0041341, MONDO:0001734.

Submissions (2):

Athena Diagnostics
Classification: Likely pathogenic. Last evaluated: 2023-06-28. Review status: criteria provided, single submitter. Criteria: Athena Diagnostics Criteria. Collection method: clinical testing. Allele origin: unknown.
Comment: This variant is expected to result in the loss of a functional protein. This variant has not been reported in large, multi-ethnic general populations.

Tuberous sclerosis database (TSC2)
No classification provided. Condition: TSC. Review status: no classification provided. Criteria: Tuberous Sclerosis Database Assertion Criteria 2015. Collection method: curation. Allele origin: germline. Affected: yes. Not counted in ClinVar's aggregate classification.

NM_000548.5(TSC2):c.5234_5238del (p.Arg1745fs)

Gene: TSC2 (TSC complex subunit 2; plus strand). Cytogenetic location: 16p13.3.
Variant type: Deletion.
Coding change: c.5234_5238del on transcript NM_000548.5 (MANE Select); coding-DNA positions 5234 to 5238, 5 bases deleted (GCCAC; older notation c.5234_5238delGCCAC).
Protein change: p.Arg1745fs; shifts the reading frame from arginine 1745.
Molecular consequence: frameshift variant.
Genome position (GRCh38, 1-based): chr16:2,088,300-2,088,304, GCCAC deleted; deleting any 5 consecutive bases within chr16:2,088,299-2,088,304 gives the same sequence; the c. name uses the placement nearest the transcript's 3' end. VCF-style (leftmost placement, unchanged base first): chr16-2088298-CCGCCA-C. GRCh37 (hg19) VCF-style: chr16-2138299-CCGCCA-C.
Other names: c.5105_5109del, p.Arg1702fs (NM_021055.3); c.5033_5037del, p.Arg1678fs (NM_001077183.3); c.5165_5169del, p.Arg1722fs (NM_001114382.3); c.4925_4929del, p.Arg1642fs (NM_001318827.2); c.4889_4893del, p.Arg1630fs (NM_001318829.2); c.4502_4506del, p.Arg1501fs (NM_001318831.2); c.5066_5070del, p.Arg1689fs (NM_001318832.2); c.5036_5040del, p.Arg1679fs (NM_001363528.2); and 3 more; short protein forms R1722fs, R1745fs, R1501fs, R1630fs, R1698fs, R1702fs, R1642fs, R1678fs.
Identifiers: ClinVar variation 49414 (VCV000049414.3), dbSNP rs137854002, ClinGen allele CA022250.